The following is an entry in ClinVar:

NM_032119.4(ADGRV1):c.16232C>A (p.Thr5411Lys)

Gene: ADGRV1 (adhesion G protein-coupled receptor V1; plus strand). Cytogenetic location: 5q14.3.
Variant type: single nucleotide variant.
Coding change: c.16232C>A on transcript NM_032119.4 (MANE Select); coding-DNA position 16232, C replaced by A.
Protein change: p.Thr5411Lys; replaces threonine 5411 with lysine.
Molecular consequence: missense variant. On other transcripts: non-coding transcript variant (1).
Genome position (GRCh38, 1-based): chr5:90,823,460, C>A. VCF-style: chr5-90823460-C-A. GRCh37 (hg19) VCF-style: chr5-90119277-C-A.
Other names: short protein forms T5411K.
Identifiers: ClinVar variation 1318707 (VCV001318707.2), dbSNP rs780481527, ClinGen allele CA3342091.

ClinVar aggregate classification (germline): Uncertain significance (1 of 4 stars; one submission).

Allele frequency attached by ClinVar (database versions not stated): ExAC 0.00001.

Submission:

GeneDx
Classification: Uncertain significance. Last evaluated: 2019-11-11. Review status: criteria provided, single submitter. Criteria: GeneDx Variant Classification Process June 2021. Collection method: clinical testing. Allele origin: germline. Affected: yes.
Comment: Not observed at a significant frequency in large population cohorts (Lek et al., 2016); In silico analysis, which includes protein predictors and evolutionary conservation, supports a deleterious effect; Has not been previously published as pathogenic or benign to our knowledge